The following is an entry in ClinVar:

NM_016156.6(MTMR2):c.308G>A (p.Gly103Glu)

Gene: MTMR2 (myotubularin related protein 2; minus strand). Cytogenetic location: 11q21.
Variant type: single nucleotide variant.
Coding change: c.308G>A on transcript NM_016156.6 (MANE Select); coding-DNA position 308, G replaced by A.
Protein change: p.Gly103Glu; replaces glycine 103 with glutamic acid.
Molecular consequence: missense variant.
Genome position (GRCh38, 1-based): chr11:95,862,321, C>T on the plus strand (G>A on the coding strand, the complement: MTMR2 is on the minus strand). VCF-style: chr11-95862321-C-T. GRCh37 (hg19) VCF-style: chr11-95595485-C-T.
Other names: c.92G>A, p.Gly31Glu (NM_001243571.2, NM_201278.3, NM_201281.3); short protein forms G103E, G31E.
Identifiers: ClinVar variation 637806 (VCV000637806.11), dbSNP rs1590997541, ClinGen allele CA382430191.
Genomic context (GRCh38, chr11:95,862,321, plus strand): 5'-CTGACTCTTACCCGTTCCATGCTTTTGAAATATAACCTATAATTCGTGACAGTCAGAGTT[C>T]CTCGTACAGCGCCAGTGAATGGACATATATAAGTTACATCTTTGGCTGAAAAAGCAAGAA-3'
Protein context (NP_057240.3, residues 93-113): YICPFTGAVR[Gly103Glu]TLTVTNYRLY

ClinVar aggregate classification (germline): Conflicting classifications of pathogenicity. Review status: criteria provided, conflicting classifications (1 of 4 stars). 3 submissions from 3 submitters: Likely pathogenic (1); Uncertain significance (1). 1 of the submissions does not count toward it. Last evaluated 2025-05-09.

Conditions:
Charcot-Marie-Tooth disease. Also called: Charcot-Marie-Tooth Hereditary Neuropathy; Charcot-Marie-Tooth Neuropathy. Identifiers: Orphanet 166, MedGen C0007959, MONDO:0015626.
Charcot-Marie-Tooth disease type 4. Also called: Charcot-Marie-Tooth disease, type IV; Charcot-Marie-Tooth, Type 4. Identifiers: Orphanet 64749, MedGen C4082197, MONDO:0018995.
Charcot-Marie-Tooth disease type 4B1. Also called: CHARCOT-MARIE-TOOTH DISEASE, AUTOSOMAL RECESSIVE, WITH FOCALLY FOLDED MYELIN SHEATHS, AUTOSOMAL RECESSIVE, TYPE 4B1; CHARCOT-MARIE-TOOTH DISEASE, TYPE 4B; CHARCOT-MARIE-TOOTH DISEASE, DEMYELINATING, TYPE 4B1; Charcot-Marie-Tooth Neuropathy Type 4B1. Identifiers: Orphanet 99955, MedGen C1832399, MONDO:0011066, OMIM 601382.

Submissions (3):

Women's Health and Genetics/Laboratory Corporation of America, LabCorp
Classification: Likely pathogenic for Charcot-Marie-Tooth disease type 4B1. Last evaluated: 2025-05-09. Review status: criteria provided, single submitter. Criteria: LabCorp Variant Classification Summary - May 2015. Collection method: clinical testing. Allele origin: germline.
Comment: Variant summary: MTMR2 c.308G>A (p.Gly103Glu) results in a non-conservative amino acid change in the encoded protein sequence. Algorithms developed to predict the effect of missense changes on protein structure and function all suggest that this variant is likely to be disruptive. The variant was absent in 250914 control chromosomes. c.308G>A has been observed in at least 1 individual(s) affected with Charcot-Marie-Tooth disease type 4B1 (example, Previtali_2003, Houlden_2001). These data indicate that the variant may be associated with disease. At least one publication reports experimental evidence evaluating an impact on protein function. The most pronounced variant effect results in <10% of normal protein expression in patient derived cells (example, Previtali_2003). The following publications have been ascertained in the context of this evaluation (PMID: 11335693, 17973976, 12837694). ClinVar contains an entry for this variant (Variation ID: 637806). Based on the evidence outlined above, the variant was classified as likely pathogenic.

Labcorp Genetics (formerly Invitae), Labcorp
Classification: Uncertain significance for Charcot-Marie-Tooth disease type 4. Last evaluated: 2022-06-09. Review status: criteria provided, single submitter. Criteria: Invitae Variant Classification Sherloc (09022015). Collection method: clinical testing. Allele origin: germline.
Comment: In summary, the available evidence is currently insufficient to determine the role of this variant in disease. Therefore, it has been classified as a Variant of Uncertain Significance. Experimental studies have shown that this missense change affects MTMR2 function (PMID: 12045210, 14530412, 17973976). Advanced modeling of protein sequence and biophysical properties (such as structural, functional, and spatial information, amino acid conservation, physicochemical variation, residue mobility, and thermodynamic stability) performed at Invitae indicates that this missense variant is expected to disrupt MTMR2 protein function. ClinVar contains an entry for this variant (Variation ID: 637806). This missense change has been observed in individual(s) with Charcot-Marie-Tooth disease (PMID: 11335693). This variant is not present in population databases (gnomAD no frequency). This sequence change replaces glycine, which is neutral and non-polar, with glutamic acid, which is acidic and polar, at codon 103 of the MTMR2 protein (p.Gly103Glu).

Inherited Neuropathy Consortium
Classification: Uncertain significance for Charcot-Marie-Tooth disease. Review status: no assertion criteria provided. Collection method: literature only. Allele origin: germline. Affected: yes. Not counted in ClinVar's aggregate classification.

Literature cited by the submitters: PubMed 17973976 (cited by Women's Health and Genetics/Laboratory Corporation of America, LabCorp and Labcorp Genetics (formerly Invitae), Labcorp); PubMed 11335693 (cited by 3 submitters); PubMed 12837694 (cited by Women's Health and Genetics/Laboratory Corporation of America, LabCorp); PubMed 12045210 (cited by Labcorp Genetics (formerly Invitae), Labcorp); PubMed 14530412 (cited by Labcorp Genetics (formerly Invitae), Labcorp).